The following is an entry in ClinVar:

NM_005732.4(RAD50):c.2455A>G (p.Ile819Val)

Gene: RAD50 (RAD50 double strand break repair protein; plus strand). Cytogenetic location: 5q31.1.
Variant type: single nucleotide variant.
Coding change: c.2455A>G on transcript NM_005732.4 (MANE Select); coding-DNA position 2455, A replaced by G.
Protein change: p.Ile819Val; replaces isoleucine 819 with valine.
Molecular consequence: missense variant.
Genome position (GRCh38, 1-based): chr5:132,603,977, A>G. VCF-style: chr5-132603977-A-G. GRCh37 (hg19) VCF-style: chr5-131939669-A-G.
Other names: short protein forms I819V.
Identifiers: ClinVar variation 1791537 (VCV001791537.5), dbSNP rs2479666234, ClinGen allele CA360955589.

ClinVar aggregate classification (germline): Uncertain significance. Review status: criteria provided, multiple submitters, no conflicts (2 of 4 stars). 2 submissions from 2 submitters: Uncertain significance (2). Last evaluated 2023-07-18.

Conditions:
Hereditary cancer-predisposing syndrome. Also called: Hereditary Cancer Syndrome; Hereditary neoplastic syndrome; Tumor predisposition; Neoplastic Syndromes, Hereditary. Identifiers: Orphanet 140162, MedGen C0027672, MeSH D009386, MONDO:0015356.

Allele frequency attached by ClinVar (database versions not stated): gnomAD exomes below 0.00001.
gnomAD v4.1: 1 of 1,612,700 alleles (0.000062%); highest among the groups gnomAD compares: Non-Finnish European, 0.000085%; no homozygotes.

Submissions (2):

Labcorp Genetics (formerly Invitae), Labcorp
Classification: Uncertain significance for Hereditary cancer-predisposing syndrome. Last evaluated: 2023-07-18. Review status: criteria provided, single submitter. Criteria: Invitae Variant Classification Sherloc (09022015). Collection method: clinical testing. Allele origin: germline.
Comment: This sequence change replaces isoleucine, which is neutral and non-polar, with valine, which is neutral and non-polar, at codon 819 of the RAD50 protein (p.Ile819Val). This variant is not present in population databases (gnomAD no frequency). This variant has not been reported in the literature in individuals affected with RAD50-related conditions. ClinVar contains an entry for this variant (Variation ID: 1791537). Advanced modeling of protein sequence and biophysical properties (such as structural, functional, and spatial information, amino acid conservation, physicochemical variation, residue mobility, and thermodynamic stability) performed at Invitae indicates that this missense variant is not expected to disrupt RAD50 protein function. In summary, the available evidence is currently insufficient to determine the role of this variant in disease. Therefore, it has been classified as a Variant of Uncertain Significance.

Ambry Genetics
Classification: Uncertain significance for Hereditary cancer-predisposing syndrome. Last evaluated: 2021-04-20. Review status: criteria provided, single submitter. Criteria: Ambry Variant Classification Scheme 2023. Collection method: clinical testing. Allele origin: germline.
Comment: The p.I819V variant (also known as c.2455A>G), located in coding exon 15 of the RAD50 gene, results from an A to G substitution at nucleotide position 2455. The isoleucine at codon 819 is replaced by valine, an amino acid with highly similar properties. This amino acid position is poorly conserved in available vertebrate species. In addition, this alteration is predicted to be tolerated by in silico analysis. Since supporting evidence is limited at this time, the clinical significance of this alteration remains unclear.